The following is an entry in ClinVar:

ClinVar aggregate classification (germline): Uncertain significance. Review status: criteria provided, multiple submitters, no conflicts (2 of 4 stars). 4 submissions from 4 submitters: Uncertain significance (3). 1 of the submissions does not count toward it. Last evaluated 2024-10-18.

Conditions:
Maple syrup urine disease type 1A (MSUD1A). Also called: MSUD type 1A. Identifiers: MedGen C1855369, MONDO:0023691, OMIM 248600.
Maple syrup urine disease (MSUD). Identifiers: Orphanet 511, MedGen C0024776, MeSH D008375, MONDO:0009563. Disease mechanism: loss of function.

Allele frequency attached by ClinVar (database versions not stated): gnomAD exomes 0.00003; ExAC 0.00004; TOPMed 0.00009; gnomAD 0.00011 and 0.00014.

Submissions (4):

Revvity Omics, Revvity
Classification: Uncertain significance for Maple syrup urine disease type 1A. Last evaluated: 2024-10-18. Review status: criteria provided, single submitter. Criteria: ACMG Guidelines, 2015. Collection method: clinical testing. Allele origin: germline.

Labcorp Genetics (formerly Invitae), Labcorp
Classification: Uncertain significance for Maple syrup urine disease. Last evaluated: 2022-06-20. Review status: criteria provided, single submitter. Criteria: Invitae Variant Classification Sherloc (09022015). Collection method: clinical testing. Allele origin: germline.
Comment: This sequence change replaces arginine, which is basic and polar, with tryptophan, which is neutral and slightly polar, at codon 399 of the BCKDHA protein (p.Arg399Trp). This variant is present in population databases (rs760281271, gnomAD 0.006%). This variant has not been reported in the literature in individuals affected with BCKDHA-related conditions. ClinVar contains an entry for this variant (Variation ID: 1015529). Algorithms developed to predict the effect of missense changes on protein structure and function (SIFT, PolyPhen-2, Align-GVGD) all suggest that this variant is likely to be disruptive. In summary, the available evidence is currently insufficient to determine the role of this variant in disease. Therefore, it has been classified as a Variant of Uncertain Significance.

Breakthrough Genomics
Classification: Uncertain significance. Review status: criteria provided, single submitter. Criteria: ACMG Guidelines, 2015. Collection method: not provided. Allele origin: germline. Inheritance: Autosomal dominant inheritance. Affected: yes.

Natera, Inc.
Classification: Uncertain significance for Maple syrup urine disease type 1A. Last evaluated: 2020-06-10. Review status: no assertion criteria provided. Collection method: clinical testing. Allele origin: germline. Not counted in ClinVar's aggregate classification.

NM_000709.4(BCKDHA):c.1195C>T (p.Arg399Trp)

Gene: BCKDHA (branched chain keto acid dehydrogenase E1 subunit alpha; plus strand). Cytogenetic location: 19q13.2.
Variant type: single nucleotide variant.
Coding change: c.1195C>T on transcript NM_000709.4 (MANE Select); coding-DNA position 1195, C replaced by T.
Protein change: p.Arg399Trp; replaces arginine 399 with tryptophan.
Molecular consequence: missense variant.
Genome position (GRCh38, 1-based): chr19:41,424,465, C>T. VCF-style: chr19-41424465-C-T. GRCh37 (hg19) VCF-style: chr19-41930370-C-T.
Other names: c.1192C>T, p.Arg398Trp (NM_001164783.2); short protein forms R398W, R399W.
Identifiers: ClinVar variation 1015529 (VCV001015529.5), dbSNP rs760281271, ClinGen allele CA9461402.